The following is an entry in ClinVar:

NM_001042492.3(NF1):c.3986C>G (p.Ser1329Ter)

Gene: NF1 (neurofibromin 1; plus strand). Cytogenetic location: 17q11.2.
Variant type: single nucleotide variant.
Coding change: c.3986C>G on transcript NM_001042492.3 (MANE Select); coding-DNA position 3986, C replaced by G.
Protein change: p.Ser1329Ter; replaces serine 1329 with a stop codon.
Molecular consequence: nonsense.
Genome position (GRCh38, 1-based): chr17:31,248,995, C>G. VCF-style: chr17-31248995-C-G. GRCh37 (hg19) VCF-style: chr17-29576013-C-G.
Other names: c.3986C>G, p.Ser1329Ter (NM_000267.4); short protein forms S1329*.
Identifiers: ClinVar variation 1397148 (VCV001397148.29), dbSNP rs1060500319, ClinGen allele CA398994830.
Genomic context (GRCh38, chr17:31,248,995, plus strand): 5'-TATTTGTTTTAAACAAAAGTGTTAGGATTTTATTTTTATTTTTTTGTAGGTTAGAACCAT[C>G]AGAGAGCCTTGAGGAAAACCAGCGGAACCTCCTTCAGATGACTGAAAAGTTCTTCCATGC-3'

ClinVar aggregate classification (germline): Pathogenic. Review status: criteria provided, multiple submitters, no conflicts (2 of 4 stars). 4 submissions from 4 submitters: Pathogenic (4). Last evaluated 2025-04-09.

Conditions:
Neurofibromatosis, type 1 (NF1). Also called: NEUROFIBROMATOSIS, TYPE I, SOMATIC; VON RECKLINGHAUSEN DISEASE; Peripheral type neurofibromatosis; Neurofibromatosis, type I. Identifiers: Orphanet 636, MedGen C0027831, MONDO:0018975, OMIM 162200. Disease mechanism: loss of function.

Submissions (4):

NHS Central & South Genomic Laboratory Hub
Classification: Pathogenic for Neurofibromatosis type 1. Last evaluated: 2025-04-09. Review status: criteria provided, single submitter. Criteria: ACMG Guidelines, 2015. Collection method: clinical testing. Allele origin: germline. Affected: yes.

CeGaT Center for Human Genetics Tuebingen
Classification: Pathogenic. Last evaluated: 2024-04-01. Review status: criteria provided, single submitter. Criteria: CeGaT Center For Human Genetics Tuebingen Variant Classification Criteria Version 2. Collection method: clinical testing. Allele origin: germline. Affected: yes. Observed: 1 variant allele.
Comment: NF1: PVS1, PS2, PM2

Labcorp Genetics (formerly Invitae), Labcorp
Classification: Pathogenic for Neurofibromatosis, type 1. Last evaluated: 2023-08-01. Review status: criteria provided, single submitter. Criteria: Invitae Variant Classification Sherloc (09022015). Collection method: clinical testing. Allele origin: germline.
Comment: For these reasons, this variant has been classified as Pathogenic. ClinVar contains an entry for this variant (Variation ID: 1397148). This premature translational stop signal has been observed in individual(s) with clinical features of neurofibromatosis type 1 (PMID: 30014477). This sequence change creates a premature translational stop signal (p.Ser1329*) in the NF1 gene. It is expected to result in an absent or disrupted protein product. Loss-of-function variants in NF1 are known to be pathogenic (PMID: 10712197, 23913538). This variant is not present in population databases (gnomAD no frequency).

Neuberg Centre For Genomic Medicine, NCGM
Classification: Pathogenic for Neurofibromatosis, type 1. Review status: criteria provided, single submitter. Criteria: ACMG Guidelines, 2015. Collection method: clinical testing. Allele origin: germline. Inheritance: Autosomal dominant inheritance. Affected: yes.
Comment: The stop gained c.3986C>Gp.Ser1329Ter variant in NF1 gene has been reported previously in individuals affected with Neurofbromatosis type 1 Bahsi T & Hanife Saat., 2020; Palma Milla C, et al., 2018. The c.3986C>G variant is novel not in any individuals in gnomAD Exomes and 1000 Genomes. This variant has been reported to the ClinVar database as Pathogenic. The nucleotide change c.3986C>G in NF1 is predicted as conserved by GERP++ and PhyloP across 100 vertebrates. This sequence change creates a premature translational stop signal p.Ser1329Ter in the NF1 gene. This variant is predicted to cause loss of normal protein function through protein truncation. Loss of function variants in NF1 gene have been previously reported to be pathogenic Fahsold R, et al., 2000. For these reasons, this variant has been classified as Pathogenic.

Literature cited by the submitters: PubMed 30014477 (cited by Labcorp Genetics (formerly Invitae), Labcorp); PubMed 10712197 (cited by Labcorp Genetics (formerly Invitae), Labcorp); PubMed 23913538 (cited by Labcorp Genetics (formerly Invitae), Labcorp).